The following is an entry in ClinVar:

ClinVar aggregate classification (germline): Uncertain significance (1 of 4 stars; one submission).

Conditions:
Hereditary cancer-predisposing syndrome. Also called: Tumor predisposition; Hereditary Cancer Syndrome; Neoplastic Syndromes, Hereditary; Hereditary neoplastic syndrome. Identifiers: Orphanet 140162, MedGen C0027672, MeSH D009386, MONDO:0015356.

Submission:

Molecular Diagnostics Laboratory, Catalan Institute of Oncology
Classification: Uncertain significance for Hereditary cancer-predisposing syndrome. Last evaluated: 2024-12-22. Review status: criteria provided, single submitter. Criteria: ACMG Guidelines, 2015. Collection method: clinical testing. Allele origin: germline.
Comment: PM2_Supporting, BP4 MUTYH c.505-11C>A is an intronic variant located close to a canonical splice site.It is not present in the population database gnomAD v2.1.1, non cancer dataset (PM2_Supporting). The SpliceAI algorithm predicts no significant impact on splicing (BP4). To our knowledge, neither relevant clinical data nor functional studies have been reported for this variant. The variant has not been identified neither ClinVar nor LOVD databases. Based on currently available information, the variant c.505-11C>A is classified as an uncertain significance variant according to ACMG guidelines.

NM_001048174.2(MUTYH):c.421-11C>A

Gene: MUTYH (mutY DNA glycosylase; minus strand). Cytogenetic location: 1p34.1.
Variant type: single nucleotide variant.
Coding change: c.421-11C>A on transcript NM_001048174.2 (MANE Select); 11 bases into the intron before coding-DNA position 421, C replaced by A.
Molecular consequence: intron variant.
Genome position (GRCh38, 1-based): chr1:45,332,845, G>T on the plus strand (C>A on the coding strand, the complement: MUTYH is on the minus strand). VCF-style: chr1-45332845-G-T. GRCh37 (hg19) VCF-style: chr1-45798517-G-T.
Other names: c.421-11C>A (NM_001407072.1, NM_001407073.1, NM_001048171.2 and 6 more transcripts); c.76-11C>A (NM_001350651.2, NM_001350650.2, NM_001407082.1); c.145-11C>A (NM_001293192.2, NM_001293196.2, NM_001407091.1); c.466-11C>A (NM_001293190.2); c.454-11C>A (NM_001407069.1, NM_001407077.1, NM_001293191.2); c.496-11C>A (NM_012222.3); c.505-11C>A (NM_001128425.2); c.424-11C>A (NM_001407071.1, NM_001048172.2, NM_001407078.1 and 1 more transcripts); and 5 more.
Identifiers: ClinVar variation 3774480 (VCV003774480.1).